The following is an entry in ClinVar:

NM_014339.7(IL17RA):c.247G>A (p.Ala83Thr)

Gene: IL17RA (interleukin 17 receptor A; plus strand). Cytogenetic location: 22q11.1.
Variant type: single nucleotide variant.
Coding change: c.247G>A on transcript NM_014339.7 (MANE Select); coding-DNA position 247, G replaced by A.
Protein change: p.Ala83Thr; replaces alanine 83 with threonine.
Molecular consequence: missense variant.
Genome position (GRCh38, 1-based): chr22:17,097,880, G>A. VCF-style: chr22-17097880-G-A. GRCh37 (hg19) VCF-style: chr22-17578770-G-A.
Other names: c.247G>A, p.Ala83Thr (NM_001289905.2); short protein forms A83T.
Identifiers: ClinVar variation 1360422 (VCV001360422.5), dbSNP rs201996921, ClinGen allele CA10086269.

ClinVar aggregate classification (germline): Uncertain significance (1 of 4 stars; one submission).

Conditions:
Immunodeficiency 51 (IMD51). Also called: CANDIDIASIS, FAMILIAL, 5. Identifiers: Orphanet 1334, MedGen C4310803, MONDO:0013500, OMIM 613953.

Allele frequency attached by ClinVar (database versions not stated): ExAC 0.00002; gnomAD 0.00003 and 0.00004; gnomAD exomes 0.00003 and 0.00006; TOPMed 0.00005; ESP Exome Variant Server 0.00008.
gnomAD v4.1: 47 of 1,614,014 alleles (0.0029%); highest among the groups gnomAD compares: Admixed American, 0.035%; no homozygotes.

Submission:

Labcorp Genetics (formerly Invitae), Labcorp
Classification: Uncertain significance for Immunodeficiency 51. Last evaluated: 2022-08-21. Review status: criteria provided, single submitter. Criteria: Invitae Variant Classification Sherloc (09022015). Collection method: clinical testing. Allele origin: germline.
Comment: This sequence change replaces alanine, which is neutral and non-polar, with threonine, which is neutral and polar, at codon 83 of the IL17RA protein (p.Ala83Thr). This variant is present in population databases (rs201996921, gnomAD 0.04%). This variant has not been reported in the literature in individuals affected with IL17RA-related conditions. ClinVar contains an entry for this variant (Variation ID: 1360422). Algorithms developed to predict the effect of missense changes on protein structure and function output the following: SIFT: "Tolerated"; PolyPhen-2: "Benign"; Align-GVGD: "Class C0". The threonine amino acid residue is found in multiple mammalian species, which suggests that this missense change does not adversely affect protein function. In summary, the available evidence is currently insufficient to determine the role of this variant in disease. Therefore, it has been classified as a Variant of Uncertain Significance.